The following is an entry in ClinVar:

NM_000419.5(ITGA2B):c.2915dup (p.Leu973fs)

Gene: ITGA2B (integrin subunit alpha 2b; minus strand). Cytogenetic location: 17q21.31.
Variant type: Duplication.
Coding change: c.2915dup on transcript NM_000419.5 (MANE Select); coding-DNA position 2915, one base duplicated (C; older notation c.2915dupC).
Protein change: p.Leu973fs; shifts the reading frame from leucine 973.
Molecular consequence: frameshift variant.
Genome position (GRCh38, 1-based): chr17:44,374,687, G duplicated on the plus strand (C on the coding strand, the reverse complement: ITGA2B is on the minus strand); the first of 5 consecutive G bases (chr17:44,374,687-44,374,691); duplicating any one gives the same sequence. VCF-style (leftmost placement, unchanged base first): chr17-44374686-C-CG. GRCh37 (hg19) VCF-style: chr17-42452054-C-CG.
Other names: short protein forms L973fs.
Identifiers: ClinVar variation 953045 (VCV000953045.3), dbSNP rs781644489, ClinGen allele CA8602531.
Genomic context (GRCh38, chr17:44,374,686, plus strand): 5'-GGACTGGTCTCTGCTCCATCCCCCCACACTCACCTGAGCTTCCCCTCGGGGCAGGCTGAG[C>CG]GGGGGCACCGCATAGGGGAGGGAGGACACGTTGAACCATGCGTGCGACTGCAGCACAAAC-3'

ClinVar aggregate classification (germline): Pathogenic (3 of 4 stars; one submission).

Conditions:
Glanzmann thrombasthenia. Also called: BLEEDING DISORDER, PLATELET-TYPE, 2; THROMBASTHENIA OF GLANZMANN AND NAEGELI; PLATELET GLYCOPROTEIN IIb-IIIa DEFICIENCY; Glanzmann's thrombasthenia; Thrombasthenia. Identifiers: Orphanet 849, MedGen C0040015, MONDO:0100326.

Submission:

ClinGen Platelet Disorders Variant Curation Expert Panel, ClinGen
Classification: Pathogenic for Glanzmann thrombasthenia. Last evaluated: 2020-09-04. Review status: reviewed by expert panel. Criteria: ClinGen Platelet ACMG Specifications v2. Collection method: curation. Allele origin: germline. Inheritance: Autosomal recessive inheritance.
Comment: The NM_000419.4:c.2915dup variant in exon 28 causes a frameshift and results in premature termination in exon 30, Leu973AlafsTer63. In-vitro studies show absent integrin expression on the cell surface (PMID: 15748238). At least 5 individuals including a sibling pair with this variant have been reported in the literature. In summary, based on the evidence available at this time, the variant is classified as pathogenic. GT-specific criteria applied: PVS1_Strong, PS3, PM2_supporiting, PM3, PP1, PP4_strong.

Literature cited by the submitters: PubMed 28888044; PubMed 19691478; PubMed 25728920; PubMed 15748238.